The following is an entry in ClinVar:

ClinVar aggregate classification (germline): Uncertain significance (1 of 4 stars; one submission).

gnomAD v4.1: 3 of 1,613,734 alleles (0.00019%); highest among the groups gnomAD compares: Non-Finnish European, 0.00025%; no homozygotes.

Submission:

Athena Diagnostics
Classification: Uncertain significance. Last evaluated: 2024-03-26. Review status: criteria provided, single submitter. Criteria: Athena Diagnostics Criteria. Collection method: clinical testing. Allele origin: unknown.
Comment: Available data are insufficient to determine the clinical significance of the variant at this time. The frequency of this variant in the general population is uninformative in assessment of its pathogenicity. Computational tools predict that this variant is not damaging.

NM_006946.4(SPTBN2):c.5202C>G (p.Asp1734Glu)

Gene: SPTBN2 (spectrin beta, non-erythrocytic 2; minus strand). Cytogenetic location: 11q13.2.
Variant type: single nucleotide variant.
Coding change: c.5202C>G on transcript NM_006946.4 (MANE Select); coding-DNA position 5202, C replaced by G.
Protein change: p.Asp1734Glu; replaces aspartic acid 1734 with glutamic acid.
Molecular consequence: missense variant.
Genome position (GRCh38, 1-based): chr11:66,691,647, G>C on the plus strand (C>G on the coding strand, the complement: SPTBN2 is on the minus strand). VCF-style: chr11-66691647-G-C. GRCh37 (hg19) VCF-style: chr11-66459118-G-C.
Other names: c.5223C>G, p.Asp1741Glu (NM_001411025.1); short protein forms D1734E, D1741E.
Identifiers: ClinVar variation 3571942 (VCV003571942.1).